The following is an entry in ClinVar:

NM_004260.4(RECQL4):c.2755+19G>A

Gene: RECQL4 (RecQ like helicase 4; minus strand). Cytogenetic location: 8q24.3.
Variant type: single nucleotide variant.
Coding change: c.2755+19G>A on transcript NM_004260.4 (MANE Select); 19 bases into the intron after coding-DNA position 2755, G replaced by A.
Molecular consequence: intron variant. On other transcripts: missense variant (3).
Genome position (GRCh38, 1-based): chr8:144,512,828, C>T on the plus strand (G>A on the coding strand, the complement: RECQL4 is on the minus strand). VCF-style: chr8-144512828-C-T. GRCh37 (hg19) VCF-style: chr8-145738211-C-T.
Other names: c.1703G>A, p.Ser568Asn (NM_001413023.1); c.1637G>A, p.Ser546Asn (NM_001413041.1); c.2626+19G>A (NM_001413025.1); c.2404+19G>A (NM_001413029.1); c.1618+19G>A (NM_001413032.1, NM_001413027.1, NM_001413030.1); c.1684+19G>A (NM_001413035.1, NM_001413040.1, NM_001413021.1 and 4 more transcripts); c.2461+19G>A (NM_001413017.1); c.2659+19G>A (NM_001413020.1); and 9 more; short protein forms S546N, S568N, S925N.
Identifiers: ClinVar variation 2986791 (VCV002986791.3), dbSNP rs1490108393, ClinGen allele CA463566319.

ClinVar aggregate classification (germline): Uncertain significance (1 of 4 stars; one submission).

Conditions:
Baller-Gerold syndrome (BGS). Also called: CRANIOSYNOSTOSIS WITH RADIAL DEFECTS. Identifiers: Orphanet 1225, MedGen C0265308, MONDO:0009039, OMIM 218600.

Submission:

Labcorp Genetics (formerly Invitae), Labcorp
Classification: Uncertain significance for Baller-Gerold syndrome. Last evaluated: 2023-03-23. Review status: criteria provided, single submitter. Criteria: Invitae Variant Classification Sherloc (09022015). Collection method: clinical testing. Allele origin: germline.
Comment: This sequence change falls in intron 15 of the RECQL4 gene. It does not directly change the encoded amino acid sequence of the RECQL4 protein. This variant is not present in population databases (gnomAD no frequency). This variant has not been reported in the literature in individuals affected with RECQL4-related conditions. Algorithms developed to predict the effect of sequence changes on RNA splicing suggest that this variant may disrupt the consensus splice site. In summary, the available evidence is currently insufficient to determine the role of this variant in disease. Therefore, it has been classified as a Variant of Uncertain Significance.